The following is an entry in ClinVar:

NM_017739.4(POMGNT1):c.565G>T (p.Ala189Ser)

Genes: POMGNT1 (protein O-linked mannose N-acetylglucosaminyltransferase 1 (beta 1,2-); minus strand), TSPAN1 (tetraspanin 1; plus strand). Cytogenetic location: 1p34.1.
Variant type: single nucleotide variant.
Coding change: c.565G>T on transcript NM_017739.4 (MANE Select); coding-DNA position 565, G replaced by T.
Protein change: p.Ala189Ser; replaces alanine 189 with serine.
Molecular consequence: missense variant.
Genome position (GRCh38, 1-based): chr1:46,194,931, C>A on the plus strand (G>T on the coding strand, the complement: POMGNT1 is on the minus strand). VCF-style: chr1-46194931-C-A. GRCh37 (hg19) VCF-style: chr1-46660603-C-A.
Other names: c.565G>T, p.Ala189Ser (NM_001243766.2, NM_001410783.1); c.499G>T, p.Ala167Ser (NM_001290129.3); c.136G>T, p.Ala46Ser (NM_001290130.2); short protein forms A189S, A167S, A46S.
Identifiers: ClinVar variation 392590 (VCV000392590.8), dbSNP rs949714416, ClinGen allele CA833682.
Genomic context (GRCh38, chr1:46,194,931, plus strand): 5'-TGTCCCTCCAGCCCAGGGCAGGGCCAGCCTGGCTGCCCAGGCTCCTCAGCAGAGCCTTGG[C>A]TGTGTCCTTGAGGTGGAAGGAGCCCTCATCCTGGGGGACCAGAGAAGGCAGTTAGCCTGA-3'
Protein context (NP_060209.4, residues 179-199): DEGSFHLKDT[Ala189Ser]KALLRSLGSQ

ClinVar aggregate classification (germline): Uncertain significance. Review status: criteria provided, multiple submitters, no conflicts (2 of 4 stars). 6 submissions from 6 submitters: Uncertain significance (5). 1 of the submissions does not count toward it. Last evaluated 2024-06-13.

Conditions:
Inborn genetic diseases. Identifiers: MedGen C0950123, MeSH D030342.
Muscular dystrophy-dystroglycanopathy (congenital with impaired intellectual development), type B, 3. Also called: Muscular dystrophy-dystroglycanopathy (congenital with intellectual disability), type B3; MUSCULAR DYSTROPHY, CONGENITAL, POMGNT1-RELATED. Identifiers: MedGen C3150412, MONDO:0013155, OMIM 613151.
Autosomal recessive limb-girdle muscular dystrophy type 2O. Also called: Limb-Girdle Muscular Dystrophy Type 3C; MUSCULAR DYSTROPHY-DYSTROGLYCANOPATHY (LIMB-GIRDLE), TYPE C, 3; MUSCULAR DYSTROPHY-DYSTROGLYCANOPATHY, LIMB-GIRDLE, POMGNT1-RELATED. Identifiers: Orphanet 206564, MedGen C3150417, MONDO:0013161, OMIM 613157.
Muscle eye brain disease (MEB). Also called: Santavuori congenital muscular dystrophy. Identifiers: Orphanet 588, Orphanet 899, MedGen C0457133, MONDO:0018939.

Allele frequency attached by ClinVar (database versions not stated): TOPMed 0.00001; gnomAD 0.00003.
gnomAD v4.1: 9 of 1,614,048 alleles (0.00056%); highest among the groups gnomAD compares: East Asian, 0.018%; no homozygotes.

Submissions (6):

Revvity Omics, Revvity
Classification: Uncertain significance. Last evaluated: 2024-06-13. Review status: criteria provided, single submitter. Criteria: ACMG Guidelines, 2015. Collection method: clinical testing. Allele origin: germline.

Ambry Genetics
Classification: Uncertain significance for Inborn genetic diseases. Last evaluated: 2023-12-28. Review status: criteria provided, single submitter. Criteria: Ambry Variant Classification Scheme 2023. Collection method: clinical testing. Allele origin: germline.

Blueprint Genetics
Classification: Uncertain significance. Last evaluated: 2022-09-14. Review status: criteria provided, single submitter. Criteria: ACMG Guidelines, 2015. Collection method: clinical testing. Allele origin: germline.

Labcorp Genetics (formerly Invitae), Labcorp
Classification: Uncertain significance for Autosomal recessive limb-girdle muscular dystrophy type 2O; Muscular dystrophy-dystroglycanopathy (congenital with impaired intellectual development), type B, 3. Last evaluated: 2022-07-01. Review status: criteria provided, single submitter. Criteria: Invitae Variant Classification Sherloc (09022015). Collection method: clinical testing. Allele origin: germline.
Comment: This sequence change replaces alanine, which is neutral and non-polar, with serine, which is neutral and polar, at codon 189 of the POMGNT1 protein (p.Ala189Ser). This variant is present in population databases (no rsID available, gnomAD 0.03%). This variant has not been reported in the literature in individuals affected with POMGNT1-related conditions. ClinVar contains an entry for this variant (Variation ID: 392590). Advanced modeling of protein sequence and biophysical properties (such as structural, functional, and spatial information, amino acid conservation, physicochemical variation, residue mobility, and thermodynamic stability) performed at Invitae indicates that this missense variant is not expected to disrupt POMGNT1 protein function. In summary, the available evidence is currently insufficient to determine the role of this variant in disease. Therefore, it has been classified as a Variant of Uncertain Significance.

GeneDx
Classification: Uncertain significance. Last evaluated: 2017-01-13. Review status: criteria provided, single submitter. Criteria: GeneDx Variant Classification (06012015). Collection method: clinical testing. Allele origin: germline. Affected: yes.
Comment: A variant of uncertain significance has been identified in the POMGNT1 gene. The A189S variant has not been published as a pathogenic variant, nor has it been reported as a benign variant to our knowledge. The A189S variant is not observed at a significant frequency in large population cohorts (Lek et al., 2016; 1000 Genomes Consortium et al., 2015; Exome Variant Server). The A189S variant is a non-conservative amino acid substitution, which is likely to impact secondary protein structure as these residues differ in polarity, charge, size and/or other properties. This substitution occurs at a position that is conserved across species. In silico analysis is inconsistent in its predictions as to whether or not the variant is damaging to the protein structure/function. Based on the currently available information, it is unclear whether this variant is a pathogenic variant or a rare benign variant.

Natera, Inc.
Classification: Uncertain significance for Muscle-eye-brain disease. Last evaluated: 2019-10-28. Review status: no assertion criteria provided. Collection method: clinical testing. Allele origin: germline. Not counted in ClinVar's aggregate classification.